The following is an entry in ClinVar:

NM_022552.5(DNMT3A):c.1806C>G (p.Pro602=)

Gene: DNMT3A (DNA methyltransferase 3 alpha; minus strand). Cytogenetic location: 2p23.3.
Variant type: single nucleotide variant.
Coding change: c.1806C>G on transcript NM_022552.5 (MANE Select); coding-DNA position 1806, C replaced by G.
Protein change: p.Pro602=; no amino-acid change (proline 602 retained).
Molecular consequence: synonymous variant. On other transcripts: non-coding transcript variant (1).
Genome position (GRCh38, 1-based): chr2:25,244,200, G>C on the plus strand (C>G on the coding strand, the complement: DNMT3A is on the minus strand). VCF-style: chr2-25244200-G-C. GRCh37 (hg19) VCF-style: chr2-25467069-G-C.
Other names: c.1350C>G, p.Pro450= (NM_001320893.1); c.1137C>G, p.Pro379= (NM_001375819.1); c.1239C>G, p.Pro413= (NM_153759.3); c.1806C>G, p.Pro602= (NM_175629.2).
Identifiers: ClinVar variation 4013898 (VCV004013898.2).

ClinVar aggregate classification (germline): Likely benign. Review status: criteria provided, multiple submitters, no conflicts (2 of 4 stars). 2 submissions from 2 submitters: Likely benign (2). Last evaluated 2025-03-29.

Conditions:
Inborn genetic diseases. Identifiers: MedGen C0950123, MeSH D030342.
DNMT3A-related disorder. Also called: DNMT3A-related disorders; DNMT3A-related condition.

gnomAD v4.1: 2 of 1,613,824 alleles (0.00012%); highest among the groups gnomAD compares: Non-Finnish European, 0.00017%; no homozygotes.

Submissions (2):

Ambry Genetics
Classification: Likely benign for Inborn genetic diseases. Last evaluated: 2025-03-29. Review status: criteria provided, single submitter. Criteria: Ambry Variant Classification Scheme 2023. Collection method: clinical testing. Allele origin: germline.

PreventionGenetics, part of Exact Sciences
Classification: Likely benign for DNMT3A-related condition. Last evaluated: 2025-03-02. Review status: criteria provided, single submitter. Criteria: ACMG Guidelines, 2015. Collection method: clinical testing. Allele origin: germline.
Comment: This variant is classified as likely benign based on ACMG/AMP sequence variant interpretation guidelines (Richards et al. 2015 PMID: 25741868, with internal and published modifications).